The following is an entry in ClinVar:

NM_001083961.2(WDR62):c.332G>C (p.Arg111Thr)

Gene: WDR62 (WD repeat domain 62; plus strand). Cytogenetic location: 19q13.12.
Variant type: single nucleotide variant.
Coding change: c.332G>C on transcript NM_001083961.2 (MANE Select); coding-DNA position 332, G replaced by C.
Protein change: p.Arg111Thr; replaces arginine 111 with threonine.
Molecular consequence: missense variant.
Genome position (GRCh38, 1-based): chr19:36,060,030, G>C. VCF-style: chr19-36060030-G-C. GRCh37 (hg19) VCF-style: chr19-36550932-G-C.
Other names: c.332G>C, p.Arg111Thr (NM_173636.5); short protein forms R111T.
Identifiers: ClinVar variation 1030118 (VCV001030118.1), dbSNP rs1970564827, ClinGen allele CA405425964.

ClinVar aggregate classification (germline): Likely pathogenic (1 of 4 stars; one submission).

Conditions:
Microcephaly 2, primary, autosomal recessive, with or without cortical malformations. Also called: MICROCEPHALY 2, PRIMARY, AUTOSOMAL RECESSIVE, WITH CORTICAL MALFORMATIONS; WDR62 Primary Microcephaly. Identifiers: Orphanet 2512, MedGen C1858535, MONDO:0011435, OMIM 604317.

Allele frequency attached by ClinVar (database versions not stated): gnomAD exomes below 0.00001.
gnomAD v4.1: 3 of 1,614,218 alleles (0.00019%); highest among the groups gnomAD compares: South Asian, 0.0033%; no homozygotes.

Submission:

Baylor Genetics
Classification: Likely pathogenic for Microcephaly 2, primary, autosomal recessive, with or without cortical malformations. Last evaluated: 2019-11-15. Review status: criteria provided, single submitter. Criteria: ACMG Guidelines, 2015. Collection method: clinical testing. Allele origin: paternal. Affected: yes.
Comment: This variant was determined to be likely pathogenic according to ACMG Guidelines, 2015 [PMID:25741868]. This variant has been previously reported in patients with microcephaly and was shown to affect the canonical splicing of exon 3 [PMID 23065275, 28004384, 22775483]

Literature cited by the submitters: PubMed 23065275; PubMed 28004384; PubMed 22775483.